The following is an entry in ClinVar:

ClinVar aggregate classification (germline): Uncertain significance (1 of 4 stars; one submission).

gnomAD v4.1: 3 of 1,610,478 alleles (0.00019%); highest among the groups gnomAD compares: African/African-American, 0.0027%; no homozygotes.

Submission:

Labcorp Genetics (formerly Invitae), Labcorp
Classification: Uncertain significance. Last evaluated: 2022-07-05. Review status: criteria provided, single submitter. Criteria: Invitae Variant Classification Sherloc (09022015). Collection method: clinical testing. Allele origin: germline.
Comment: In summary, the available evidence is currently insufficient to determine the role of this variant in disease. Therefore, it has been classified as a Variant of Uncertain Significance. Experimental studies and prediction algorithms are not available or were not evaluated, and the functional significance of this variant is currently unknown. ClinVar contains an entry for this variant (Variation ID: 1525275). This variant has not been reported in the literature in individuals affected with KIZ-related conditions. This variant is not present in population databases (gnomAD no frequency). This sequence change replaces alanine, which is neutral and non-polar, with threonine, which is neutral and polar, at codon 570 of the KIZ protein (p.Ala570Thr).

NM_018474.6(KIZ):c.1708G>A (p.Ala570Thr)

Gene: KIZ (kizuna centrosomal protein; plus strand). Cytogenetic location: 20p11.23.
Variant type: single nucleotide variant.
Coding change: c.1708G>A on transcript NM_018474.6 (MANE Select); coding-DNA position 1708, G replaced by A.
Protein change: p.Ala570Thr; replaces alanine 570 with threonine.
Molecular consequence: missense variant.
Genome position (GRCh38, 1-based): chr20:21,229,040, G>A. VCF-style: chr20-21229040-G-A. GRCh37 (hg19) VCF-style: chr20-21209678-G-A.
Other names: c.1399G>A, p.Ala467Thr (NM_001163022.3); c.1309G>A, p.Ala437Thr (NM_001163023.3); c.1561G>A, p.Ala521Thr (NM_001276389.2); c.1654G>A, p.Ala552Thr (NM_001352434.2); c.1345G>A, p.Ala449Thr (NM_001352435.2); c.1366G>A, p.Ala456Thr (NM_001352436.2); short protein forms A449T, A552T, A437T, A456T, A570T, A467T, A521T.
Identifiers: ClinVar variation 1525275 (VCV001525275.6), dbSNP rs1459145048, ClinGen allele CA408494075.